The following is an entry in ClinVar:

ClinVar aggregate classification (germline): Uncertain significance. Review status: criteria provided, multiple submitters, no conflicts (2 of 4 stars). 2 submissions from 2 submitters: Uncertain significance (2). Last evaluated 2025-07-29.

Conditions:
Inborn genetic diseases. Identifiers: MedGen C0950123, MeSH D030342.
FGA-related disorder. Also called: FGA-related condition; FGA-related disorders.

Allele frequency attached by ClinVar (database versions not stated): gnomAD exomes 0.00001; TOPMed 0.00001.
gnomAD v4.1: 8 of 1,613,686 alleles (0.0005%); highest among the groups gnomAD compares: African/African-American, 0.0067%; no homozygotes.

Submissions (2):

PreventionGenetics, part of Exact Sciences
Classification: Uncertain significance for FGA-related condition. Last evaluated: 2025-07-29. Review status: criteria provided, single submitter. Criteria: ACMG Guidelines, 2015. Collection method: clinical testing. Allele origin: germline.
Comment: The FGA c.206G>A variant is predicted to result in the amino acid substitution p.Arg69Lys. To our knowledge, this variant has not been reported in the literature or in a large population database (gnomAD), indicating this variant is rare. At this time, the clinical significance of this variant is uncertain due to the absence of conclusive functional and genetic evidence.

Ambry Genetics
Classification: Uncertain significance for Inborn genetic diseases. Last evaluated: 2021-07-21. Review status: criteria provided, single submitter. Criteria: Ambry Variant Classification Scheme 2023. Collection method: clinical testing. Allele origin: germline.

NM_021871.4(FGA):c.206G>A (p.Arg69Lys)

Gene: FGA (fibrinogen alpha chain; minus strand). Cytogenetic location: 4q31.3.
Variant type: single nucleotide variant.
Coding change: c.206G>A on transcript NM_021871.4 (MANE Select); coding-DNA position 206, G replaced by A.
Protein change: p.Arg69Lys; replaces arginine 69 with lysine.
Molecular consequence: missense variant.
Genome position (GRCh38, 1-based): chr4:154,588,951, C>T on the plus strand (G>A on the coding strand, the complement: FGA is on the minus strand). VCF-style: chr4-154588951-C-T. GRCh37 (hg19) VCF-style: chr4-155510103-C-T.
Other names: c.206G>A (NM_000508.4); c.206G>A, p.Arg69Lys (NM_000508.5); short protein forms R69K.
Identifiers: ClinVar variation 3094586 (VCV003094586.2), dbSNP rs1366944551, ClinGen allele CA358533420.